The following is an entry in ClinVar:

NM_001182.5(ALDH7A1):c.44C>T (p.Thr15Ile)

Gene: ALDH7A1 (aldehyde dehydrogenase 7 family member A1; minus strand). Cytogenetic location: 5q23.2.
Variant type: single nucleotide variant.
Coding change: c.44C>T on transcript NM_001182.5 (MANE Select); coding-DNA position 44, C replaced by T.
Protein change: p.Thr15Ile; replaces threonine 15 with isoleucine.
Molecular consequence: missense variant. On other transcripts: 5 prime UTR variant (1).
Genome position (GRCh38, 1-based): chr5:126,595,155, G>A on the plus strand (C>T on the coding strand, the complement: ALDH7A1 is on the minus strand). VCF-style: chr5-126595155-G-A. GRCh37 (hg19) VCF-style: chr5-125930847-G-A.
Other names: c.-41C>T (NM_001201377.2); c.44C>T, p.Thr15Ile (NM_001202404.2); short protein forms T15I.
Identifiers: ClinVar variation 945037 (VCV000945037.11), dbSNP rs1410992204, ClinGen allele CA360733961.

ClinVar aggregate classification (germline): Uncertain significance. Review status: criteria provided, multiple submitters, no conflicts (2 of 4 stars). 2 submissions from 2 submitters: Uncertain significance (2). Last evaluated 2023-12-04.

Conditions:
Inborn genetic diseases. Identifiers: MedGen C0950123, MeSH D030342.
Pyridoxine-dependent epilepsy (EPEO4). Also called: PYRIDOXINE DEPENDENCY WITH SEIZURES; Pyridoxine-Dependent Epilepsy - ALDH7A1; EPILEPSY, EARLY-ONSET, 4, VITAMIN B6-DEPENDENT; Pyridoxine-Dependent Seizures. Identifiers: Orphanet 3006, MedGen C1849508, MONDO:0009945, OMIM 266100. Disease mechanism: loss of function.

Allele frequency attached by ClinVar (database versions not stated): gnomAD exomes 0.00001; TOPMed below 0.00001.
gnomAD v4.1: 8 of 1,557,678 alleles (0.00051%); highest among the groups gnomAD compares: Non-Finnish European, 0.0007%; no homozygotes.

Submissions (2):

Ambry Genetics
Classification: Uncertain significance for Inborn genetic diseases. Last evaluated: 2023-12-04. Review status: criteria provided, single submitter. Criteria: Ambry Variant Classification Scheme 2023. Collection method: clinical testing. Allele origin: germline.

Labcorp Genetics (formerly Invitae), Labcorp
Classification: Uncertain significance for Pyridoxine-dependent epilepsy. Last evaluated: 2020-12-18. Review status: criteria provided, single submitter. Criteria: Invitae Variant Classification Sherloc (09022015). Collection method: clinical testing. Allele origin: germline.
Comment: In summary, the available evidence is currently insufficient to determine the role of this variant in disease. Therefore, it has been classified as a Variant of Uncertain Significance. Algorithms developed to predict the effect of missense changes on protein structure and function (SIFT, PolyPhen-2, Align-GVGD) all suggest that this variant is likely to be tolerated, but these predictions have not been confirmed by published functional studies and their clinical significance is uncertain. This variant has not been reported in the literature in individuals with ALDH7A1-related conditions. This variant is not present in population databases (ExAC no frequency). This sequence change replaces threonine with isoleucine at codon 15 of the ALDH7A1 protein (p.Thr15Ile). The threonine residue is weakly conserved and there is a moderate physicochemical difference between threonine and isoleucine.